The following is an entry in ClinVar:

NM_138694.4(PKHD1):c.10693C>A (p.Leu3565Ile)

Gene: PKHD1 (PKHD1 ciliary IPT domain containing fibrocystin/polyductin; minus strand). Cytogenetic location: 6p12.3.
Variant type: single nucleotide variant.
Coding change: c.10693C>A on transcript NM_138694.4 (MANE Select); coding-DNA position 10693, C replaced by A.
Protein change: p.Leu3565Ile; replaces leucine 3565 with isoleucine.
Molecular consequence: missense variant.
Genome position (GRCh38, 1-based): chr6:51,659,433, G>T on the plus strand (C>A on the coding strand, the complement: PKHD1 is on the minus strand). VCF-style: chr6-51659433-G-T. GRCh37 (hg19) VCF-style: chr6-51524231-G-T.
Other names: short protein forms L3565I.
Identifiers: ClinVar variation 4983854 (VCV004983854.1).

ClinVar aggregate classification (germline): Uncertain significance (1 of 4 stars; one submission).

Conditions:
PKHD1-related disorder. Also called: PKHD1-related condition.

gnomAD v4.1: 1 of 1,613,598 alleles (0.000062%); highest among the groups gnomAD compares: Admixed American, 0.0017%; no homozygotes.

Submission:

PreventionGenetics, part of Exact Sciences
Classification: Uncertain significance for PKHD1-related condition. Last evaluated: 2025-05-22. Review status: criteria provided, single submitter. Criteria: ACMG Guidelines, 2015. Collection method: clinical testing. Allele origin: germline.
Comment: The PKHD1 c.10693C>A variant is predicted to result in the amino acid substitution p.Leu3565Ile. To our knowledge, this variant has not been reported in the literature. This variant is reported in 0.0029% of alleles in individuals of Latino descent in gnomAD. At this time, the clinical significance of this variant is uncertain due to the absence of conclusive functional and genetic evidence.